The following is an entry in ClinVar:

ClinVar aggregate classification (germline): Uncertain significance. Review status: criteria provided, multiple submitters, no conflicts (2 of 4 stars). 2 submissions from 2 submitters: Uncertain significance (2). Last evaluated 2023-11-14.

Allele frequency attached by ClinVar (database versions not stated): gnomAD exomes below 0.00001; gnomAD 0.00001; TOPMed 0.00001; ESP Exome Variant Server 0.00008.
gnomAD v4.1: 4 of 1,613,930 alleles (0.00025%); highest among the groups gnomAD compares: African/African-American, 0.0013%; no homozygotes.

Submissions (2):

GeneDx
Classification: Uncertain significance. Last evaluated: 2023-11-14. Review status: criteria provided, single submitter. Criteria: GeneDx Variant Classification Process June 2021. Collection method: clinical testing. Allele origin: germline. Affected: yes.
Comment: Not observed at significant frequency in large population cohorts (gnomAD); In silico analysis supports that this missense variant does not alter protein structure/function; Has not been previously published as pathogenic or benign to our knowledge

ARUP Laboratories, Molecular Genetics and Genomics, ARUP Laboratories
Classification: Uncertain significance. Last evaluated: 2019-10-21. Review status: criteria provided, single submitter. Criteria: ARUP Molecular Germline Variant Investigation Process. Collection method: clinical testing. Allele origin: germline.
Comment: The USH2A c.8380G>A; p.Val2794Ile variant (rs373984123), to our knowledge, is not reported in the medical literature or gene specific databases. This variant is only observed on one allele in the Exome Sequencing Project, indicating it is not a common polymorphism. The valine at codon 2794 is moderately conserved, and computational analyses (SIFT, PolyPhen-2) predict that this variant is tolerated. Due to limited information, the clinical significance of the c.8380G>A variant is uncertain at this time.

NM_206933.4(USH2A):c.8380G>A (p.Val2794Ile)

Gene: USH2A (usherin; minus strand). Cytogenetic location: 1q41.
Variant type: single nucleotide variant.
Coding change: c.8380G>A on transcript NM_206933.4 (MANE Select); coding-DNA position 8380, G replaced by A.
Protein change: p.Val2794Ile; replaces valine 2794 with isoleucine.
Molecular consequence: missense variant.
Genome position (GRCh38, 1-based): chr1:215,878,942, C>T on the plus strand (G>A on the coding strand, the complement: USH2A is on the minus strand). VCF-style: chr1-215878942-C-T. GRCh37 (hg19) VCF-style: chr1-216052284-C-T.
Other names: c.8380G>A (NM_206933.2); short protein forms V2794I.
Identifiers: ClinVar variation 994430 (VCV000994430.9), dbSNP rs373984123, ClinGen allele CA37433898.